The following is an entry in ClinVar:

NM_017763.6(RNF43):c.1720G>A (p.Gly574Arg)

Gene: RNF43 (ring finger protein 43; minus strand). Cytogenetic location: 17q22.
Variant type: single nucleotide variant.
Coding change: c.1720G>A on transcript NM_017763.6 (MANE Select); coding-DNA position 1720, G replaced by A.
Protein change: p.Gly574Arg; replaces glycine 574 with arginine.
Molecular consequence: missense variant.
Genome position (GRCh38, 1-based): chr17:58,358,056, C>T on the plus strand (G>A on the coding strand, the complement: RNF43 is on the minus strand). VCF-style: chr17-58358056-C-T. GRCh37 (hg19) VCF-style: chr17-56435417-C-T.
Other names: c.1720G>A (NM_017763.4); c.1720G>A, p.Gly574Arg (NM_001305544.3); c.1339G>A, p.Gly447Arg (NM_001305545.2); short protein forms G447R, G574R.
Identifiers: ClinVar variation 1399814 (VCV001399814.11), dbSNP rs112997544, ClinGen allele CA8673125.

ClinVar aggregate classification (germline): Uncertain significance. Review status: criteria provided, multiple submitters, no conflicts (2 of 4 stars). 4 submissions from 4 submitters: Uncertain significance (4). Last evaluated 2025-03-26.

Conditions:
Sessile serrated polyposis cancer syndrome (SSPCS). Identifiers: Orphanet 157798, MedGen C4310714, MONDO:0014919, OMIM 617108.

Allele frequency attached by ClinVar (database versions not stated): gnomAD 0.00002; gnomAD exomes 0.00002 and 0.00003; TOPMed 0.00003; ExAC 0.00004; ESP Exome Variant Server 0.00008.

Submissions (4):

Ambry Genetics
Classification: Uncertain significance. Last evaluated: 2025-03-26. Review status: criteria provided, single submitter. Criteria: Ambry Variant Classification Scheme 2023. Collection method: clinical testing. Allele origin: germline.

Labcorp Genetics (formerly Invitae), Labcorp
Classification: Uncertain significance. Last evaluated: 2024-04-30. Review status: criteria provided, single submitter. Criteria: Invitae Variant Classification Sherloc (09022015). Collection method: clinical testing. Allele origin: germline.
Comment: This sequence change replaces glycine, which is neutral and non-polar, with arginine, which is basic and polar, at codon 574 of the RNF43 protein (p.Gly574Arg). This variant is present in population databases (rs112997544, gnomAD 0.01%). This variant has not been reported in the literature in individuals affected with RNF43-related conditions. ClinVar contains an entry for this variant (Variation ID: 1399814). An algorithm developed to predict the effect of missense changes on protein structure and function (PolyPhen-2) suggests that this variant is likely to be tolerated. In summary, the available evidence is currently insufficient to determine the role of this variant in disease. Therefore, it has been classified as a Variant of Uncertain Significance.

Baylor Genetics
Classification: Uncertain significance for Sessile serrated polyposis cancer syndrome. Last evaluated: 2023-12-20. Review status: criteria provided, single submitter. Criteria: ACMG Guidelines, 2015. Collection method: clinical testing. Allele origin: unknown.

GeneDx
Classification: Uncertain significance. Last evaluated: 2023-05-15. Review status: criteria provided, single submitter. Criteria: GeneDx Variant Classification Process June 2021. Collection method: clinical testing. Allele origin: germline. Affected: yes.
Comment: In silico analysis supports that this missense variant has a deleterious effect on protein structure/function; Variants in candidate genes are classified as variants of uncertain significance in accordance with ACMG guidelines (Richards et al., 2015)